The following is an entry in ClinVar:

ClinVar aggregate classification (germline): Uncertain significance (1 of 4 stars; one submission).

gnomAD v4.1: 1 of 1,614,044 alleles (0.000062%); highest among the groups gnomAD compares: African/African-American, 0.0013%; no homozygotes.

Submission:

Ambry Genetics
Classification: Uncertain significance. Last evaluated: 2025-02-18. Review status: criteria provided, single submitter. Criteria: Ambry Variant Classification Scheme 2023. Collection method: clinical testing. Allele origin: germline.
Comment: The p.I214S variant (also known as c.641T>G), located in coding exon 1 of the MLH3 gene, results from a T to G substitution at nucleotide position 641. The isoleucine at codon 214 is replaced by serine, an amino acid with dissimilar properties. This amino acid position is conserved. In addition, this alteration is predicted to be deleterious by in silico analysis. Based on the available evidence, the clinical significance of this variant remains unclear.

NM_001040108.2(MLH3):c.641T>G (p.Ile214Ser)

Gene: MLH3 (mutL homolog 3; minus strand). Cytogenetic location: 14q24.3.
Variant type: single nucleotide variant.
Coding change: c.641T>G on transcript NM_001040108.2 (MANE Select); coding-DNA position 641, T replaced by G.
Protein change: p.Ile214Ser; replaces isoleucine 214 with serine.
Molecular consequence: missense variant.
Genome position (GRCh38, 1-based): chr14:75,049,015, A>C on the plus strand (T>G on the coding strand, the complement: MLH3 is on the minus strand). VCF-style: chr14-75049015-A-C. GRCh37 (hg19) VCF-style: chr14-75515718-A-C.
Other names: c.641T>G, p.Ile214Ser (NM_014381.3); short protein forms I214S.
Identifiers: ClinVar variation 3873467 (VCV003873467.1).